The following is an entry in ClinVar:

NM_002529.4(NTRK1):c.1649_1650insGGCAGGAAGTCGGCACTGAA (p.Ser550_Glu551insAlaGlySerArgHisTer)

Gene: NTRK1 (neurotrophic receptor tyrosine kinase 1; plus strand). Cytogenetic location: 1q23.1.
Variant type: Insertion.
Coding change: c.1649_1650insGGCAGGAAGTCGGCACTGAA on transcript NM_002529.4 (MANE Select); coding-DNA positions 1649 to 1650, GGCAGGAAGTCGGCACTGAA inserted.
Protein change: p.Ser550_Glu551insAlaGlySerArgHisTer.
Molecular consequence: nonsense, inframe insertion.
Genome position: GRCh38 VCF-style: chr1-156876416-C-CGGCAGGAAGTCGGCACTGAA. GRCh37 (hg19) VCF-style: chr1-156846208-C-CGGCAGGAAGTCGGCACTGAA.
Other names: c.1541_1542insGGCAGGAAGTCGGCACTGAA, p.Ser514_Glu515insAlaGlySerArgHisTer (NM_001007792.1); c.1631_1632insGGCAGGAAGTCGGCACTGAA, p.Ser544_Glu545insAlaGlySerArgHisTer (NM_001012331.2).
Identifiers: ClinVar variation 1074362 (VCV001074362.7), dbSNP rs2102919112, ClinGen allele CA2499214231.

ClinVar aggregate classification (germline): Pathogenic (1 of 4 stars; one submission).

Conditions:
Hereditary insensitivity to pain with anhidrosis (CIPA). Also called: NTRK1 Congenital Insensitivity to Pain with Anhidrosis; FAMILIAL DYSAUTONOMIA, TYPE II; hereditary sensory and autonomic neuropathy type 4; INSENSITIVITY TO PAIN, CONGENITAL, WITH ANHIDROSIS; NEUROPATHY, CONGENITAL SENSORY, WITH ANHIDROSIS; HSAN Type IV. Identifiers: Orphanet 642, MedGen C0020074, MONDO:0009746, OMIM 256800.

Submission:

Labcorp Genetics (formerly Invitae), Labcorp
Classification: Pathogenic for Hereditary insensitivity to pain with anhidrosis. Last evaluated: 2020-03-17. Review status: criteria provided, single submitter. Criteria: Invitae Variant Classification Sherloc (09022015). Collection method: clinical testing. Allele origin: germline.
Comment: For these reasons, this variant has been classified as Pathogenic. Loss-of-function variants in NTRK1 are known to be pathogenic (PMID: 10982191). This variant has not been reported in the literature in individuals with NTRK1-related conditions. This variant is not present in population databases (ExAC no frequency). This sequence change creates a premature translational stop signal (p.Glu545Alafs*6) in the NTRK1 gene. It is expected to result in an absent or disrupted protein product.

Literature cited by the submitters: PubMed 10982191.